The following is an entry in ClinVar:

NM_004525.3(LRP2):c.1468C>T (p.Arg490Cys)

Gene: LRP2 (LDL receptor related protein 2; minus strand). Cytogenetic location: 2q31.1.
Variant type: single nucleotide variant.
Coding change: c.1468C>T on transcript NM_004525.3 (MANE Select); coding-DNA position 1468, C replaced by T.
Protein change: p.Arg490Cys; replaces arginine 490 with cysteine.
Molecular consequence: missense variant.
Genome position (GRCh38, 1-based): chr2:169,279,469, G>A on the plus strand (C>T on the coding strand, the complement: LRP2 is on the minus strand). VCF-style: chr2-169279469-G-A. GRCh37 (hg19) VCF-style: chr2-170135979-G-A.
Other names: c.1468C>T (NM_004525.2); short protein forms R490C.
Identifiers: ClinVar variation 1509623 (VCV001509623.4), dbSNP rs756451023, ClinGen allele CA1955558.
Genomic context (GRCh38, chr2:169,279,469, plus strand): 5'-CCAAGTTTTCAGTTATAAGGGTAACCCGATAGCTTCCATCCAAATTTACCATATCTATGC[G>A]GTTGACCTTGGTTTCCACTAGATAGATTTTATTATTAACCCAGTCCACAGCCAGGTTCTC-3'
Protein context (NP_004516.2, residues 480-500): KIYLVETKVN[Arg490Cys]IDMVNLDGSY

ClinVar aggregate classification (germline): Uncertain significance. Review status: criteria provided, multiple submitters, no conflicts (2 of 4 stars). 2 submissions from 2 submitters: Uncertain significance (2). Last evaluated 2025-05-30.

Conditions:
Inborn genetic diseases. Identifiers: MedGen C0950123, MeSH D030342.

Allele frequency attached by ClinVar (database versions not stated): ExAC 0.00002; gnomAD 0.00001; TOPMed 0.00001; gnomAD exomes 0.00002.
gnomAD v4.1: 24 of 1,613,646 alleles (0.0015%); highest among the groups gnomAD compares: East Asian, 0.0089%; no homozygotes.

Submissions (2):

Ambry Genetics
Classification: Uncertain significance for Inborn genetic diseases. Last evaluated: 2025-05-30. Review status: criteria provided, single submitter. Criteria: Ambry Variant Classification Scheme 2023. Collection method: clinical testing. Allele origin: germline.

Labcorp Genetics (formerly Invitae), Labcorp
Classification: Uncertain significance. Last evaluated: 2022-11-01. Review status: criteria provided, single submitter. Criteria: Invitae Variant Classification Sherloc (09022015). Collection method: clinical testing. Allele origin: germline.
Comment: This sequence change replaces arginine, which is basic and polar, with cysteine, which is neutral and slightly polar, at codon 490 of the LRP2 protein (p.Arg490Cys). This variant is present in population databases (rs756451023, gnomAD 0.02%). This variant has not been reported in the literature in individuals affected with LRP2-related conditions. ClinVar contains an entry for this variant (Variation ID: 1509623). Advanced modeling of protein sequence and biophysical properties (such as structural, functional, and spatial information, amino acid conservation, physicochemical variation, residue mobility, and thermodynamic stability) performed at Invitae indicates that this missense variant is expected to disrupt LRP2 protein function. In summary, the available evidence is currently insufficient to determine the role of this variant in disease. Therefore, it has been classified as a Variant of Uncertain Significance.